The following is an entry in ClinVar:

NM_001243133.2(NLRP3):c.131C>G (p.Thr44Arg)

Gene: NLRP3 (NLR family pyrin domain containing 3; plus strand). Cytogenetic location: 1q44.
Variant type: single nucleotide variant.
Coding change: c.131C>G on transcript NM_001243133.2 (MANE Select); coding-DNA position 131, C replaced by G.
Protein change: p.Thr44Arg; replaces threonine 44 with arginine.
Molecular consequence: missense variant.
Genome position (GRCh38, 1-based): chr1:247,418,931, C>G. VCF-style: chr1-247418931-C-G. GRCh37 (hg19) VCF-style: chr1-247582233-C-G.
Other names: c.131C>G, p.Thr44Arg (NM_001079821.3, NM_001127461.3, NM_001127462.3 and 1 more transcripts); c.137C>G, p.Thr46Arg (NM_004895.5); short protein forms T44R, T46R.
Identifiers: ClinVar variation 1719696 (VCV001719696.5), dbSNP rs2527204827, ClinGen allele CA345552377.

ClinVar aggregate classification (germline): Uncertain significance (1 of 4 stars; one submission).

Conditions:
Cryopyrin associated periodic syndrome (CAPS). Identifiers: Orphanet 208650, MedGen C2316212, MONDO:0016168.

Submission:

Labcorp Genetics (formerly Invitae), Labcorp
Classification: Uncertain significance for Cryopyrin associated periodic syndrome. Last evaluated: 2022-09-17. Review status: criteria provided, single submitter. Criteria: Invitae Variant Classification Sherloc (09022015). Collection method: clinical testing. Allele origin: germline.
Comment: In summary, the available evidence is currently insufficient to determine the role of this variant in disease. Therefore, it has been classified as a Variant of Uncertain Significance. Advanced modeling of protein sequence and biophysical properties (such as structural, functional, and spatial information, amino acid conservation, physicochemical variation, residue mobility, and thermodynamic stability) performed at Invitae indicates that this missense variant is not expected to disrupt NLRP3 protein function. This variant has not been reported in the literature in individuals affected with NLRP3-related conditions. This variant is not present in population databases (gnomAD no frequency). This sequence change replaces threonine, which is neutral and polar, with arginine, which is basic and polar, at codon 46 of the NLRP3 protein (p.Thr46Arg).